The following is an entry in ClinVar:

ClinVar aggregate classification (germline): Uncertain significance. Review status: criteria provided, multiple submitters, no conflicts (2 of 4 stars). 2 submissions from 2 submitters: Uncertain significance (2). Last evaluated 2024-09-22.

Conditions:
Ventricular arrhythmias due to cardiac ryanodine receptor calcium release deficiency syndrome. Also called: Autosomal dominant cardiac arrhythmia (Kuhn). Identifiers: MedGen C5542154, MONDO:0020745, OMIM 115000.
Catecholaminergic polymorphic ventricular tachycardia 1. Also called: RYR2-Related Catecholaminergic Polymorphic Ventricular Tachycardia; VENTRICULAR TACHYCARDIA, STRESS-INDUCED POLYMORPHIC 1; VENTRICULAR TACHYCARDIA, CATECHOLAMINERGIC POLYMORPHIC, 1, WITH OR WITHOUT ATRIAL DYSFUNCTION AND/OR DILATED CARDIOMYOPATHY. Identifiers: Orphanet 3286, MedGen C1631597, MONDO:0011484, OMIM 604772.

Allele frequency attached by ClinVar (database versions not stated): gnomAD exomes below 0.00001.
gnomAD v4.1: 1 of 1,613,918 alleles (0.000062%); highest among the groups gnomAD compares: South Asian, 0.0011%; no homozygotes.

Submissions (2):

Genomic Medicine Center of Excellence, King Faisal Specialist Hospital and Research Centre
Classification: Uncertain significance for Ventricular arrhythmias due to cardiac ryanodine receptor calcium release deficiency syndrome. Last evaluated: 2024-09-22. Review status: criteria provided, single submitter. Criteria: ACMG Guidelines, 2015. Collection method: clinical testing. Allele origin: germline.

Labcorp Genetics (formerly Invitae), Labcorp
Classification: Uncertain significance for Catecholaminergic polymorphic ventricular tachycardia 1. Last evaluated: 2022-07-25. Review status: criteria provided, single submitter. Criteria: Invitae Variant Classification Sherloc (09022015). Collection method: clinical testing. Allele origin: germline.
Comment: ClinVar contains an entry for this variant (Variation ID: 1460910). In summary, the available evidence is currently insufficient to determine the role of this variant in disease. Therefore, it has been classified as a Variant of Uncertain Significance. Algorithms developed to predict the effect of sequence changes on RNA splicing suggest that this variant may create or strengthen a splice site. Advanced modeling of protein sequence and biophysical properties (such as structural, functional, and spatial information, amino acid conservation, physicochemical variation, residue mobility, and thermodynamic stability) performed at Invitae indicates that this missense variant is expected to disrupt RYR2 protein function. This variant has not been reported in the literature in individuals affected with RYR2-related conditions. This variant is present in population databases (no rsID available, gnomAD 0.003%). This sequence change replaces threonine, which is neutral and polar, with alanine, which is neutral and non-polar, at codon 302 of the RYR2 protein (p.Thr302Ala).

NM_001035.3(RYR2):c.904A>G (p.Thr302Ala)

Gene: RYR2 (ryanodine receptor 2; plus strand). Cytogenetic location: 1q43.
Variant type: single nucleotide variant.
Coding change: c.904A>G on transcript NM_001035.3 (MANE Select); coding-DNA position 904, A replaced by G.
Protein change: p.Thr302Ala; replaces threonine 302 with alanine.
Molecular consequence: missense variant.
Genome position (GRCh38, 1-based): chr1:237,423,147, A>G. VCF-style: chr1-237423147-A-G. GRCh37 (hg19) VCF-style: chr1-237586447-A-G.
Other names: short protein forms T302A.
Identifiers: ClinVar variation 1460910 (VCV001460910.10), dbSNP rs1178740695, ClinGen allele CA345385298.